The following is an entry in ClinVar:

ClinVar aggregate classification (germline): Uncertain significance. Review status: criteria provided, multiple submitters, no conflicts (2 of 4 stars). 2 submissions from 2 submitters: Uncertain significance (2). Last evaluated 2024-07-17.

Allele frequency attached by ClinVar (database versions not stated): ExAC 0.00004.
gnomAD v4.1: 36 of 1,613,968 alleles (0.0022%); highest among the groups gnomAD compares: African/African-American, 0.0067%; no homozygotes.

Submissions (2):

Labcorp Genetics (formerly Invitae), Labcorp
Classification: Uncertain significance. Last evaluated: 2024-07-17. Review status: criteria provided, single submitter. Criteria: Invitae Variant Classification Sherloc (09022015). Collection method: clinical testing. Allele origin: germline.
Comment: This sequence change replaces arginine, which is basic and polar, with tryptophan, which is neutral and slightly polar, at codon 402 of the TUBA8 protein (p.Arg402Trp). This variant is present in population databases (rs772858172, gnomAD 0.01%). This variant has not been reported in the literature in individuals affected with TUBA8-related conditions. ClinVar contains an entry for this variant (Variation ID: 2468507). Advanced modeling of protein sequence and biophysical properties (such as structural, functional, and spatial information, amino acid conservation, physicochemical variation, residue mobility, and thermodynamic stability) performed at Invitae indicates that this missense variant is expected to disrupt TUBA8 protein function with a positive predictive value of 80%. In summary, the available evidence is currently insufficient to determine the role of this variant in disease. Therefore, it has been classified as a Variant of Uncertain Significance.

Ambry Genetics
Classification: Uncertain significance. Last evaluated: 2023-01-23. Review status: criteria provided, single submitter. Criteria: Ambry Variant Classification Scheme 2023. Collection method: clinical testing. Allele origin: germline.

NM_018943.3(TUBA8):c.1204C>T (p.Arg402Trp)

Gene: TUBA8 (tubulin alpha 8; plus strand). Cytogenetic location: 22q11.21.
Variant type: single nucleotide variant.
Coding change: c.1204C>T on transcript NM_018943.3 (MANE Select); coding-DNA position 1204, C replaced by T.
Protein change: p.Arg402Trp; replaces arginine 402 with tryptophan.
Molecular consequence: missense variant.
Genome position (GRCh38, 1-based): chr22:18,130,990, C>T. VCF-style: chr22-18130990-C-T. GRCh37 (hg19) VCF-style: chr22-18613757-C-T.
Other names: c.1006C>T, p.Arg336Trp (NM_001193414.2); short protein forms R336W, R402W.
Identifiers: ClinVar variation 2468507 (VCV002468507.5), dbSNP rs772858172, ClinGen allele CA10093869.